The following is an entry in ClinVar:

NM_001098511.3(KIF2A):c.1907A>G (p.Gln636Arg)

Gene: KIF2A (kinesin family member 2A; plus strand). Cytogenetic location: 5q12.1.
Variant type: single nucleotide variant.
Coding change: c.1907A>G on transcript NM_001098511.3 (MANE Select); coding-DNA position 1907, A replaced by G.
Protein change: p.Gln636Arg; replaces glutamine 636 with arginine.
Molecular consequence: missense variant.
Genome position (GRCh38, 1-based): chr5:62,373,833, A>G. VCF-style: chr5-62373833-A-G. GRCh37 (hg19) VCF-style: chr5-61669660-A-G.
Other names: c.1712A>G, p.Gln571Arg (NM_001243952.2); c.1736A>G, p.Gln579Arg (NM_001243953.2); c.1793A>G, p.Gln598Arg (NM_004520.5); short protein forms Q598R, Q636R, Q571R, Q579R.
Identifiers: ClinVar variation 1368332 (VCV001368332.9), dbSNP rs747484896, ClinGen allele CA3279071.
Genomic context (GRCh38, chr5:62,373,833, plus strand): 5'-AGACACAGTGGGGTGTGGGGAGTTCCCCTCAGAGAGATGATCTAAAACTTCTTTGTGAAC[A>G]AAATGTGAGTGTACTATGGTTGTAAATGTTATAATCTTAGTTCATTTCATCAGTAGCAGA-3'
Protein context (NP_001091981.1, residues 626-646): QRDDLKLLCE[Gln636Arg]NEEEVSPQLF

ClinVar aggregate classification (germline): Uncertain significance. Review status: criteria provided, multiple submitters, no conflicts (2 of 4 stars). 2 submissions from 2 submitters: Uncertain significance (2). Last evaluated 2022-09-07.

Allele frequency attached by ClinVar (database versions not stated): ExAC 0.00001; gnomAD exomes 0.00001.
gnomAD v4.1: 3 of 1,607,302 alleles (0.00019%); highest among the groups gnomAD compares: South Asian, 0.0033%; no homozygotes.

Submissions (2):

Labcorp Genetics (formerly Invitae), Labcorp
Classification: Uncertain significance. Last evaluated: 2022-09-07. Review status: criteria provided, single submitter. Criteria: Invitae Variant Classification Sherloc (09022015). Collection method: clinical testing. Allele origin: germline.
Comment: ClinVar contains an entry for this variant (Variation ID: 1368332). This variant has not been reported in the literature in individuals affected with KIF2A-related conditions. This variant is present in population databases (rs747484896, gnomAD 0.007%). This sequence change replaces glutamine, which is neutral and polar, with arginine, which is basic and polar, at codon 636 of the KIF2A protein (p.Gln636Arg). Algorithms developed to predict the effect of missense changes on protein structure and function (SIFT, PolyPhen-2, Align-GVGD) all suggest that this variant is likely to be tolerated. In summary, the available evidence is currently insufficient to determine the role of this variant in disease. Therefore, it has been classified as a Variant of Uncertain Significance.

Breakthrough Genomics
Classification: Uncertain significance. Review status: criteria provided, single submitter. Criteria: ACMG Guidelines, 2015. Collection method: not provided. Allele origin: germline. Inheritance: Autosomal dominant inheritance. Affected: yes.